The following is an entry in ClinVar:

ClinVar aggregate classification (germline): Uncertain significance (1 of 4 stars; one submission).

Conditions:
Spastic paraplegia. Identifiers: MedGen C0037772, HP:0001258.

Submission:

Labcorp Genetics (formerly Invitae), Labcorp
Classification: Uncertain significance for Spastic paraplegia. Last evaluated: 2024-06-17. Review status: criteria provided, single submitter. Criteria: Invitae Variant Classification Sherloc (09022015). Collection method: clinical testing. Allele origin: germline.
Comment: This sequence change replaces glycine, which is neutral and non-polar, with arginine, which is basic and polar, at codon 12 of the AP4S1 protein (p.Gly12Arg). This variant is present in population databases (no rsID available, gnomAD 0.01%). This variant has not been reported in the literature in individuals affected with AP4S1-related conditions. ClinVar contains an entry for this variant (Variation ID: 1721871). An algorithm developed to predict the effect of missense changes on protein structure and function (PolyPhen-2) suggests that this variant is likely to be disruptive. In summary, the available evidence is currently insufficient to determine the role of this variant in disease. Therefore, it has been classified as a Variant of Uncertain Significance.

NM_001128126.3(AP4S1):c.34G>A (p.Gly12Arg)

Gene: AP4S1 (adaptor related protein complex 4 subunit sigma 1; plus strand). Cytogenetic location: 14q12.
Variant type: single nucleotide variant.
Coding change: c.34G>A on transcript NM_001128126.3 (MANE Select); coding-DNA position 34, G replaced by A.
Protein change: p.Gly12Arg; replaces glycine 12 with arginine.
Molecular consequence: missense variant.
Genome position (GRCh38, 1-based): chr14:31,066,230, G>A. VCF-style: chr14-31066230-G-A. GRCh37 (hg19) VCF-style: chr14-31535436-G-A.
Other names: c.34G>A, p.Gly12Arg (NM_001254726.2, NM_001254727.2, NM_001254728.2 and 2 more transcripts); short protein forms G12R.
Identifiers: ClinVar variation 1721871 (VCV001721871.5), dbSNP rs996367496, ClinGen allele CA389358631.